The following is an entry in ClinVar:

NM_000059.4(BRCA2):c.9232G>T (p.Val3078Phe)

Gene: BRCA2 (BRCA2 DNA repair associated; plus strand). Cytogenetic location: 13q13.1.
Variant type: single nucleotide variant.
Coding change: c.9232G>T on transcript NM_000059.4 (MANE Select); coding-DNA position 9232, G replaced by T.
Protein change: p.Val3078Phe; replaces valine 3078 with phenylalanine.
Molecular consequence: missense variant.
Genome position (GRCh38, 1-based): chr13:32,380,121, G>T. VCF-style: chr13-32380121-G-T. GRCh37 (hg19) VCF-style: chr13-32954258-G-T.
Other names: short protein forms V3078F.
Identifiers: ClinVar variation 823121 (VCV000823121.14), dbSNP rs1593938201, ClinGen allele CA387758553.
Genomic context (GRCh38, chr13:32,380,121, plus strand): 5'-AGCAAATTTTTAGATCCAGACTTTCAGCCATCTTGTTCTGAGGTGGACCTAATAGGATTT[G>T]TCGTTTCTGTTGTGAAAAAAACAGGTAATGCACAATATAGTTAATTTTTTTTATTGATTC-3'
Protein context (NP_000050.3, residues 3068-3088): SCSEVDLIGF[Val3078Phe]VSVVKKTGLA

ClinVar aggregate classification (germline): Conflicting classifications of pathogenicity. Review status: criteria provided, conflicting classifications (1 of 4 stars). 4 submissions from 4 submitters: Likely pathogenic (1); Uncertain significance (3). Last evaluated 2026-06-03.

Conditions:
Hereditary breast ovarian cancer syndrome. Also called: Hereditary breast and ovarian cancer; Hereditary breast and ovarian cancer syndrome (HBOC); Hereditary breast and/or ovarian cancer syndrome; Breast and ovarian cancer; BRCA1- and BRCA2-Associated Hereditary Breast and Ovarian Cancer; Hereditary breast and ovarian cancer syndrome. Identifiers: Orphanet 145, MedGen C0677776, MeSH D061325, MONDO:0003582. Disease mechanism: loss of function.
Hereditary cancer-predisposing syndrome. Also called: Tumor predisposition; Neoplastic Syndromes, Hereditary; Hereditary neoplastic syndrome; Hereditary Cancer Syndrome. Identifiers: Orphanet 140162, MedGen C0027672, MeSH D009386, MONDO:0015356.

Allele frequency attached by ClinVar (database versions not stated): gnomAD exomes below 0.00001.

Submissions (4):

Ambry Genetics
Classification: Likely pathogenic for Hereditary cancer-predisposing syndrome. Last evaluated: 2026-06-03. Review status: criteria provided, single submitter. Criteria: Ambry Variant Classification Scheme 2023. Collection method: clinical testing. Allele origin: germline.
Comment: The p.V3078F variant (also known as c.9232G>T), located in coding exon 23 of the BRCA2 gene, results from a G to T substitution at nucleotide position 9232. The valine at codon 3078 is replaced by phenylalanine, an amino acid with highly similar properties. Protein functional studies determined this variant to have a deleterious impact on protein function (Hu, C. et al. Am J Hum Genet 2024 Mar;111(3):584-593; Huang H et al. Nature. 2025 Feb;638(8050):528-537). In addition, this alteration is predicted to be deleterious by in silico analysis. This variant is considered to be rare based on population cohorts in the Genome Aggregation Database (gnomAD). Based on the majority of available evidence to date, this variant is likely to be pathogenic.

Labcorp Genetics (formerly Invitae), Labcorp
Classification: Uncertain significance for Hereditary breast ovarian cancer syndrome. Last evaluated: 2025-04-22. Review status: criteria provided, single submitter. Criteria: Invitae Variant Classification Sherloc (09022015). Collection method: clinical testing. Allele origin: germline.
Comment: This sequence change replaces valine, which is neutral and non-polar, with phenylalanine, which is neutral and non-polar, at codon 3078 of the BRCA2 protein (p.Val3078Phe). This variant is not present in population databases (gnomAD no frequency). This missense change has been observed in individual(s) with breast or ovarian cancer (PMID: 19499246, 19656164, 28111427). ClinVar contains an entry for this variant (Variation ID: 823121). Invitae Evidence Modeling of protein sequence and biophysical properties (such as structural, functional, and spatial information, amino acid conservation, physicochemical variation, residue mobility, and thermodynamic stability) indicates that this missense variant is not expected to disrupt BRCA2 protein function with a negative predictive value of 95%. In summary, the available evidence is currently insufficient to determine the role of this variant in disease. Therefore, it has been classified as a Variant of Uncertain Significance.

Women's Health and Genetics/Laboratory Corporation of America, LabCorp
Classification: Uncertain significance. Last evaluated: 2022-11-14. Review status: criteria provided, single submitter. Criteria: LabCorp Variant Classification Summary - May 2015. Collection method: clinical testing. Allele origin: germline.
Comment: Variant summary: BRCA2 c.9232G>T (p.Val3078Phe) results in a non-conservative amino acid change located in the BRCA2, OB3 domain (IPR015188) of the encoded protein sequence. Five of five in-silico tools predict a damaging effect of the variant on protein function. The variant was absent in 250876 control chromosomes. The available data on variant occurrences in the general population are insufficient to allow any conclusion about variant significance. c.9232G>T has been reported in the literature in individuals affected with Breast And Ovarian Cancer without strong evidence of causality (e.g. Seong_2009, Lim_2009, Park_2017). These data do not allow any conclusion about variant significance. To our knowledge, no experimental evidence demonstrating an impact on protein function has been reported. Two clinical diagnostic laboratories have submitted clinical-significance assessments for this variant to ClinVar after 2014 without evidence for independent evaluation. All laboratories classified the variant as uncertain significance. Based on the evidence outlined above, the variant was classified as uncertain significance.

Color Diagnostics, LLC DBA Color Health
Classification: Uncertain significance for Hereditary cancer-predisposing syndrome. Last evaluated: 2019-04-20. Review status: criteria provided, single submitter. Criteria: ACMG Guidelines, 2015. Collection method: clinical testing. Allele origin: germline.

Literature cited by the submitters: PubMed 19499246 (cited by 3 submitters); PubMed 19656164 (cited by 3 submitters); PubMed 38417439 (cited by Ambry Genetics); PubMed 28111427 (cited by Labcorp Genetics (formerly Invitae), Labcorp and Women's Health and Genetics/Laboratory Corporation of America, LabCorp); PubMed 33078592 (cited by Women's Health and Genetics/Laboratory Corporation of America, LabCorp); PubMed 34063308 (cited by Women's Health and Genetics/Laboratory Corporation of America, LabCorp).